The following is an entry in ClinVar:

NM_014425.5(INVS):c.1255G>C (p.Val419Leu)

Gene: INVS (inversin; plus strand). Cytogenetic location: 9q31.1.
Variant type: single nucleotide variant.
Coding change: c.1255G>C on transcript NM_014425.5 (MANE Select); coding-DNA position 1255, G replaced by C.
Protein change: p.Val419Leu; replaces valine 419 with leucine.
Molecular consequence: missense variant. On other transcripts: non-coding transcript variant (1).
Genome position (GRCh38, 1-based): chr9:100,252,927, G>C. VCF-style: chr9-100252927-G-C. GRCh37 (hg19) VCF-style: chr9-103015209-G-C.
Other names: c.967G>C, p.Val323Leu (NM_001318381.2); c.277G>C, p.Val93Leu (NM_001318382.2); short protein forms V323L, V419L, V93L.
Identifiers: ClinVar variation 1524808 (VCV001524808.8), dbSNP rs2118562526, ClinGen allele CA374364642.
Genomic context (GRCh38, chr9:100,252,927, plus strand): 5'-ATTTATATTAGACATTCTCATTATATTTGTGCTTTTCCAGGTGGAGCAAGGGTAGATCTA[G>C]TTGACCAAGATGGACATTCTCTTCTACATTGGGCAGCACTGGGAGGAAATGCTGATGTTT-3'
Protein context (NP_055240.2, residues 409-429): LIKGGARVDL[Val419Leu]DQDGHSLLHW

ClinVar aggregate classification (germline): Uncertain significance (1 of 4 stars; one submission).

Conditions:
Nephronophthisis. Also called: Juvenile Nephronophthisis. Identifiers: Orphanet 655, MedGen C0687120, MONDO:0019005, HP:0000090.

Allele frequency attached by ClinVar (database versions not stated): gnomAD exomes below 0.00001.
gnomAD v4.1: 1 of 1,613,736 alleles (0.000062%); highest among the groups gnomAD compares: Non-Finnish European, 0.000085%; no homozygotes.

Submission:

Labcorp Genetics (formerly Invitae), Labcorp
Classification: Uncertain significance for Nephronophthisis. Last evaluated: 2023-04-05. Review status: criteria provided, single submitter. Criteria: Invitae Variant Classification Sherloc (09022015). Collection method: clinical testing. Allele origin: germline.
Comment: In summary, the available evidence is currently insufficient to determine the role of this variant in disease. Therefore, it has been classified as a Variant of Uncertain Significance. An algorithm developed to predict the effect of missense changes on protein structure and function (PolyPhen-2) suggests that this variant is likely to be tolerated. ClinVar contains an entry for this variant (Variation ID: 1524808). This variant has not been reported in the literature in individuals affected with INVS-related conditions. This sequence change replaces valine, which is neutral and non-polar, with leucine, which is neutral and non-polar, at codon 419 of the INVS protein (p.Val419Leu). This variant is not present in population databases (gnomAD no frequency).